The following is an entry in ClinVar:

NM_000138.5(FBN1):c.2729-131C>T

Gene: FBN1 (fibrillin 1; minus strand). Cytogenetic location: 15q21.1.
Variant type: single nucleotide variant.
Coding change: c.2729-131C>T on transcript NM_000138.5 (MANE Select); 131 bases into the intron before coding-DNA position 2729, C replaced by T.
Molecular consequence: intron variant.
Genome position (GRCh38, 1-based): chr15:48,492,717, G>A on the plus strand (C>T on the coding strand, the complement: FBN1 is on the minus strand). VCF-style: chr15-48492717-G-A. GRCh37 (hg19) VCF-style: chr15-48784914-G-A.
Identifiers: ClinVar variation 676409 (VCV000676409.1), dbSNP rs191331497, ClinGen allele CA269536083.

ClinVar aggregate classification (germline): Likely benign (1 of 4 stars; one submission).

Allele frequency attached by ClinVar (database versions not stated): TOPMed 0.00123; 1000 Genomes Project 0.00180; 1000 Genomes Project 30x 0.00187; gnomAD 0.00218 and 0.00221.
gnomAD v4.1: 2,045 of 755,530 alleles (0.27%); highest among the groups gnomAD compares: South Asian, 0.34%; 8 homozygotes.

Submission:

GeneDx
Classification: Likely benign. Last evaluated: 2018-06-18. Review status: criteria provided, single submitter. Criteria: GeneDx Variant Classification (06012015). Collection method: clinical testing. Allele origin: germline. Affected: yes.
Comment: This variant is considered likely benign or benign based on one or more of the following criteria: it is a conservative change, it occurs at a poorly conserved position in the protein, it is predicted to be benign by multiple in silico algorithms, and/or has population frequency not consistent with disease.